The following is an entry in ClinVar:

ClinVar aggregate classification (germline): Uncertain significance (1 of 4 stars; one submission).

Conditions:
Colorectal cancer, hereditary nonpolyposis, type 7. Identifiers: Orphanet 144, MedGen C1858380, MONDO:0013725, OMIM 614385.

Submission:

Labcorp Genetics (formerly Invitae), Labcorp
Classification: Uncertain significance for Colorectal cancer, hereditary nonpolyposis, type 7. Last evaluated: 2018-03-24. Review status: criteria provided, single submitter. Criteria: Invitae Variant Classification Sherloc (09022015). Collection method: clinical testing. Allele origin: germline.
Comment: This variant has not been reported in the literature in individuals with MLH3-related disease. In summary, the available evidence is currently insufficient to determine the role of this variant in disease. Therefore, it has been classified as a Variant of Uncertain Significance. The current clinical and genetic evidence is not sufficient to establish whether loss-of-function variants in MLH3 cause disease. This variant is not present in population databases (ExAC no frequency). This sequence change creates a premature translational stop signal (p.Gln1022Argfs*29) in the MLH3 gene. It is expected to result in an absent or disrupted protein product.

NM_001040108.2(MLH3):c.3065del (p.Gln1022fs)

Gene: MLH3 (mutL homolog 3; minus strand). Cytogenetic location: 14q24.3.
Variant type: Deletion.
Coding change: c.3065del on transcript NM_001040108.2 (MANE Select); coding-DNA position 3065, one base deleted (A; older notation c.3065delA).
Protein change: p.Gln1022fs; shifts the reading frame from glutamine 1022.
Molecular consequence: frameshift variant.
Genome position (GRCh38, 1-based): chr14:75,046,591, T deleted on the plus strand (A on the coding strand, the reverse complement: MLH3 is on the minus strand). VCF-style (leftmost placement, unchanged base first): chr14-75046590-CT-C. GRCh37 (hg19) VCF-style: chr14-75513293-CT-C.
Other names: c.3065del, p.Gln1022fs (NM_014381.3); c.3065delA (NM_001040108.1); short protein forms Q1022fs.
Identifiers: ClinVar variation 582670 (VCV000582670.6), dbSNP rs1566602423, ClinGen allele CA891844507.